The following is an entry in ClinVar:

ClinVar aggregate classification (germline): Uncertain significance (1 of 4 stars; one submission).

Conditions:
Fanconi anemia (FA). Also called: Fanconi's anemia. Identifiers: Orphanet 84, MedGen C0015625, MeSH D005199, MONDO:0019391.

Allele frequency attached by ClinVar (database versions not stated): gnomAD exomes 0.00002 and 0.00006; gnomAD 0.00003 and 0.00004; TOPMed 0.00003; ExAC 0.00007.
gnomAD v4.1: 33 of 1,614,094 alleles (0.002%); highest among the groups gnomAD compares: East Asian, 0.031%; no homozygotes.

Submission:

Labcorp Genetics (formerly Invitae), Labcorp
Classification: Uncertain significance for Fanconi anemia. Last evaluated: 2024-11-18. Review status: criteria provided, single submitter. Criteria: Invitae Variant Classification Sherloc (09022015). Collection method: clinical testing. Allele origin: germline.
Comment: This sequence change replaces arginine, which is basic and polar, with tryptophan, which is neutral and slightly polar, at codon 1104 of the SLX4 protein (p.Arg1104Trp). This variant is present in population databases (rs752187463, gnomAD 0.06%). This variant has not been reported in the literature in individuals affected with SLX4-related conditions. ClinVar contains an entry for this variant (Variation ID: 456308). An algorithm developed to predict the effect of missense changes on protein structure and function (PolyPhen-2) suggests that this variant is likely to be disruptive. In summary, the available evidence is currently insufficient to determine the role of this variant in disease. Therefore, it has been classified as a Variant of Uncertain Significance.

NM_032444.4(SLX4):c.3310C>T (p.Arg1104Trp)

Gene: SLX4 (SLX4 structure-specific endonuclease subunit; minus strand). Cytogenetic location: 16p13.3.
Variant type: single nucleotide variant.
Coding change: c.3310C>T on transcript NM_032444.4 (MANE Select); coding-DNA position 3310, C replaced by T.
Protein change: p.Arg1104Trp; replaces arginine 1104 with tryptophan.
Molecular consequence: missense variant.
Genome position (GRCh38, 1-based): chr16:3,590,328, G>A on the plus strand (C>T on the coding strand, the complement: SLX4 is on the minus strand). VCF-style: chr16-3590328-G-A. GRCh37 (hg19) VCF-style: chr16-3640329-G-A.
Other names: c.3310C>T (LRG_503t1); short protein forms R1104W.
Identifiers: ClinVar variation 456308 (VCV000456308.6), dbSNP rs752187463, ClinGen allele CA7865948.